The following is an entry in ClinVar:

NM_000535.7(PMS2):c.1237_1239delinsGGG (p.Lys413Gly)

Gene: PMS2 (PMS1 homolog 2, mismatch repair system component; minus strand). Cytogenetic location: 7p22.1.
Variant type: Indel.
Coding change: c.1237_1239delinsGGG on transcript NM_000535.7 (MANE Select); coding-DNA positions 1237 to 1239, AAA replaced by GGG.
Protein change: p.Lys413Gly; replaces lysine 413 with glycine.
Molecular consequence: missense variant. On other transcripts: non-coding transcript variant (1).
Genome position (GRCh38, 1-based): chr7:5,987,526-5,987,528, TTT replaced by CCC on the plus strand (AAA replaced by GGG on the coding strand, the reverse complement: PMS2 is on the minus strand). VCF-style: chr7-5987526-TTT-CCC. GRCh37 (hg19) VCF-style: chr7-6027157-TTT-CCC.
Other names: c.832_834delinsGGG, p.Lys278Gly (NM_001322003.2, NM_001322004.2, NM_001322005.2 and 1 more transcripts); c.1081_1083delinsGGG, p.Lys361Gly (NM_001322006.2); c.919_921delinsGGG, p.Lys307Gly (NM_001322007.2, NM_001322008.2); c.676_678delinsGGG, p.Lys226Gly (NM_001322010.2); c.304_306delinsGGG, p.Lys102Gly (NM_001322011.2, NM_001322012.2); c.664_666delinsGGG, p.Lys222Gly (NM_001322013.2); c.1237_1239delinsGGG, p.Lys413Gly (NM_001322014.2); c.928_930delinsGGG, p.Lys310Gly (NM_001322015.2); short protein forms K310G, K278G, K413G, K222G, K307G, K102G, K226G, K361G.
Identifiers: ClinVar variation 568695 (VCV000568695.7), dbSNP rs1562635824, ClinGen allele CA891842815.

ClinVar aggregate classification (germline): Uncertain significance (1 of 4 stars; one submission).

Conditions:
Hereditary nonpolyposis colorectal neoplasms. Identifiers: MedGen C0009405, MeSH D003123.

Submission:

Labcorp Genetics (formerly Invitae), Labcorp
Classification: Uncertain significance for Hereditary nonpolyposis colorectal neoplasms. Last evaluated: 2018-05-02. Review status: criteria provided, single submitter. Criteria: Invitae Variant Classification Sherloc (09022015). Collection method: clinical testing. Allele origin: germline.
Comment: This variant has not been reported in the literature in individuals with PMS2-related disease. This variant is not present in population databases (ExAC no frequency). This sequence change replaces lysine with glycine at codon 413 of the PMS2 protein (p.Lys413Gly). The lysine residue is weakly conserved and there is a moderate physicochemical difference between lysine and glycine. In summary, the available evidence is currently insufficient to determine the role of this variant in disease. Therefore, it has been classified as a Variant of Uncertain Significance. Algorithms developed to predict the effect of missense changes on protein structure and function (SIFT, PolyPhen-2, Align-GVGD) all suggest that this variant is likely to be tolerated, but these predictions have not been confirmed by published functional studies and their clinical significance is uncertain.